The following is an entry in ClinVar:

NM_001282933.2(ZNF341):c.98C>T (p.Pro33Leu)

Gene: ZNF341 (zinc finger protein 341; plus strand). Cytogenetic location: 20q11.22.
Variant type: single nucleotide variant.
Coding change: c.98C>T on transcript NM_001282933.2 (MANE Select); coding-DNA position 98, C replaced by T.
Protein change: p.Pro33Leu; replaces proline 33 with leucine.
Molecular consequence: missense variant. On other transcripts: nonsense (1), non-coding transcript variant (1).
Genome position (GRCh38, 1-based): chr20:33,740,968, C>T. VCF-style: chr20-33740968-C-T. GRCh37 (hg19) VCF-style: chr20-32328774-C-T.
Other names: c.25C>T, p.Arg9Ter (NM_001282935.2); c.98C>T, p.Pro33Leu (NM_032819.5); short protein forms R9*, P33L.
Identifiers: ClinVar variation 2796548 (VCV002796548.3), dbSNP rs759711668, ClinGen allele CA9819057.
Genomic context (GRCh38, chr20:33,740,968, plus strand): 5'-ACAATCAGACCGTTCTGGCTGTCCAGTCATTATTGGATGGCCAAGGAGCAGTCCCTGATC[C>T]GACAGGCCAGAGTGTCAATGCGCCCCCTGCTATCCAGCCATTGGGTGAGTATCTGCTCAG-3'
Protein context (NP_001269862.1, residues 23-43): LLDGQGAVPD[Pro33Leu]TGQSVNAPPA

ClinVar aggregate classification (germline): Conflicting classifications of pathogenicity. Review status: criteria provided, conflicting classifications (1 of 4 stars). 2 submissions from 2 submitters: Likely pathogenic (1); Uncertain significance (1). Last evaluated 2025-04-07.

Conditions:
Hyper-IgE recurrent infection syndrome 3, autosomal recessive. Also called: Autosomal recessive hyper-IgE syndrome due to ZNF341 deficiency; HYPER-IgE SYNDROME 3, AUTOSOMAL RECESSIVE, WITH RECURRENT INFECTIONS. Identifiers: Orphanet 641368, MedGen C4748969, MONDO:0032654, OMIM 618282.

Allele frequency attached by ClinVar (database versions not stated): ExAC 0.00001; gnomAD exomes 0.00002; TOPMed below 0.00001.
gnomAD v4.1: 28 of 1,614,134 alleles (0.0017%); highest among the groups gnomAD compares: Middle Eastern, 0.016%; no homozygotes.

Submissions (2):

Labcorp Genetics (formerly Invitae), Labcorp
Classification: Uncertain significance. Last evaluated: 2025-04-07. Review status: criteria provided, single submitter. Criteria: Invitae Variant Classification Sherloc (09022015). Collection method: clinical testing. Allele origin: germline.
Comment: This sequence change replaces proline, which is neutral and non-polar, with leucine, which is neutral and non-polar, at codon 33 of the ZNF341 protein (p.Pro33Leu). This variant is present in population databases (rs759711668, gnomAD 0.006%). This variant has not been reported in the literature in individuals affected with ZNF341-related conditions. ClinVar contains an entry for this variant (Variation ID: 2796548). An algorithm developed to predict the effect of missense changes on protein structure and function (PolyPhen-2) suggests that this variant is likely to be disruptive. In summary, the available evidence is currently insufficient to determine the role of this variant in disease. Therefore, it has been classified as a Variant of Uncertain Significance.

Intergen Genetics and Rare Diseases Diagnosis Center
Classification: Likely pathogenic for Hyper-IgE recurrent infection syndrome 3, autosomal recessive. Last evaluated: 2024-03-19. Review status: criteria provided, single submitter. Criteria: ACMG Guidelines, 2015. Collection method: clinical testing. Allele origin: germline. Inheritance: Autosomal recessive inheritance. Affected: no. Observed: 1 heterozygote.